The following is an entry in ClinVar:

NM_002458.3(MUC5B):c.8328A>G (p.Ser2776=)

Genes: MUC5B (mucin 5B, oligomeric mucus/gel-forming; plus strand), MUC5B-AS1 (MUC5B antisense RNA 1; minus strand). Cytogenetic location: 11p15.5.
Variant type: single nucleotide variant.
Coding change: c.8328A>G on transcript NM_002458.3 (MANE Select); coding-DNA position 8328, A replaced by G.
Protein change: p.Ser2776=; no amino-acid change (serine 2776 retained).
Molecular consequence: synonymous variant.
Genome position (GRCh38, 1-based): chr11:1,245,208, A>G. VCF-style: chr11-1245208-A-G. GRCh37 (hg19) VCF-style: chr11-1266438-A-G.
Identifiers: ClinVar variation 2641240 (VCV002641240.24), dbSNP rs200954974, ClinGen allele CA5806613.
Genomic context (GRCh38, chr11:1,245,208, plus strand): 5'-GCGATCCCTGTCCCCCAGCAGTCCCCACACGGTGCGCACAGCCTGGACTTCGGCCACCTC[A>G]GGCACCTTGGGCACCACCCACATCACAGAGCCTTCCACGGGGACTTCCCACACCCCAGCA-3'
Protein context (NP_002449.2, residues 2766-2786): TVRTAWTSAT[Ser2776=]GTLGTTHITE

ClinVar aggregate classification (germline): Benign (1 of 4 stars; one submission).

Allele frequency attached by ClinVar (database versions not stated): ExAC 0.00066; 1000 Genomes Project 30x 0.01421.
gnomAD v4.1: 17,510 of 1,550,056 alleles (1.1%); highest among the groups gnomAD compares: Non-Finnish European, 1.1%; 390 homozygotes.

Submission:

CeGaT Center for Human Genetics Tuebingen
Classification: Benign. Last evaluated: 2026-05-01. Review status: criteria provided, single submitter. Criteria: CeGaT Center For Human Genetics Tuebingen Variant Classification Criteria Version 2. Collection method: clinical testing. Allele origin: germline. Affected: yes. Observed: 15 variant alleles.
Comment: MUC5B: BP4, BP7, BS1, BS2